The following is an entry in ClinVar:

NM_001130438.3(SPTAN1):c.5190G>T (p.Met1730Ile)

Gene: SPTAN1 (spectrin alpha, non-erythrocytic 1; plus strand). Cytogenetic location: 9q34.11.
Variant type: single nucleotide variant.
Coding change: c.5190G>T on transcript NM_001130438.3 (MANE Select); coding-DNA position 5190, G replaced by T.
Protein change: p.Met1730Ile; replaces methionine 1730 with isoleucine.
Molecular consequence: missense variant.
Genome position (GRCh38, 1-based): chr9:128,615,673, G>T. VCF-style: chr9-128615673-G-T. GRCh37 (hg19) VCF-style: chr9-131377952-G-T.
Other names: c.5115G>T, p.Met1705Ile (NM_001195532.2); c.5190G>T, p.Met1730Ile (NM_001363759.2, NM_001375310.1, NM_001375311.2 and 1 more transcripts); c.5130G>T, p.Met1710Ile (NM_001363765.2, NM_001375314.2); c.5226G>T, p.Met1742Ile (NM_001375312.2, NM_001375318.1); c.5175G>T, p.Met1725Ile (NM_003127.4); short protein forms M1742I, M1705I, M1710I, M1730I, M1725I.
Identifiers: ClinVar variation 2122973 (VCV002122973.4), dbSNP rs2541886466, ClinGen allele CA375074295.

ClinVar aggregate classification (germline): Uncertain significance (1 of 4 stars; one submission).

Conditions:
Early-infantile DEE. Also called: Early infantile epileptic encephalopathy; Ohtahara syndrome; Early infantile epileptic encephalopathy with suppression bursts. Identifiers: Orphanet 1934, MedGen C0393706, MONDO:0800491.

Submission:

Labcorp Genetics (formerly Invitae), Labcorp
Classification: Uncertain significance for Early-infantile DEE. Last evaluated: 2022-04-08. Review status: criteria provided, single submitter. Criteria: Invitae Variant Classification Sherloc (09022015). Collection method: clinical testing. Allele origin: germline.
Comment: This variant has not been reported in the literature in individuals affected with SPTAN1-related conditions. This variant is not present in population databases (gnomAD no frequency). This sequence change replaces methionine, which is neutral and non-polar, with isoleucine, which is neutral and non-polar, at codon 1730 of the SPTAN1 protein (p.Met1730Ile). Algorithms developed to predict the effect of missense changes on protein structure and function (SIFT, PolyPhen-2, Align-GVGD) all suggest that this variant is likely to be tolerated. In summary, the available evidence is currently insufficient to determine the role of this variant in disease. Therefore, it has been classified as a Variant of Uncertain Significance.